The following is an entry in ClinVar:

ClinVar aggregate classification (germline): Uncertain significance (1 of 4 stars; one submission).

Submission:

Labcorp Genetics (formerly Invitae), Labcorp
Classification: Uncertain significance. Last evaluated: 2023-10-24. Review status: criteria provided, single submitter. Criteria: Invitae Variant Classification Sherloc (09022015). Collection method: clinical testing. Allele origin: germline.
Comment: This variant, c.149_154del, results in the deletion of 2 amino acid(s) of the CTNNA1 protein (p.Lys50_Lys51del), but otherwise preserves the integrity of the reading frame. This variant is not present in population databases (gnomAD no frequency). This variant has not been reported in the literature in individuals affected with CTNNA1-related conditions. Experimental studies and prediction algorithms are not available or were not evaluated, and the functional significance of this variant is currently unknown. In summary, the available evidence is currently insufficient to determine the role of this variant in disease. Therefore, it has been classified as a Variant of Uncertain Significance.

NM_001903.5(CTNNA1):c.149_154del (p.Lys50_Lys51del)

Gene: CTNNA1 (catenin alpha 1; plus strand). Cytogenetic location: 5q31.2.
Variant type: Deletion.
Coding change: c.149_154del on transcript NM_001903.5 (MANE Select); coding-DNA positions 149 to 154, 6 bases deleted (AGAAGA; older notation c.149_154delAGAAGA).
Protein change: p.Lys50_Lys51del.
Molecular consequence: inframe deletion. On other transcripts: 5 prime UTR variant (1), intron variant (1).
Genome position (GRCh38, 1-based): chr5:138,783,220-138,783,225, AGAAGA deleted; deleting any 6 consecutive bases within chr5:138,783,219-138,783,225 gives the same sequence; the c. name uses the placement nearest the transcript's 3' end. VCF-style (leftmost placement, unchanged base first): chr5-138783218-TAAGAAG-T. GRCh37 (hg19) VCF-style: chr5-138118907-TAAGAAG-T.
Other names: c.149_154del, p.Lys50_Lys51del (NM_001290307.3, NM_001323982.2, NM_001323983.1 and 3 more transcripts); c.-58_-53del (NM_001290310.3); c.-9+1191_-9+1196del (NM_001290309.3).
Identifiers: ClinVar variation 2891959 (VCV002891959.3), dbSNP rs762712870, ClinGen allele CA1586021010.
Genomic context (GRCh38, chr5:138,783,218, plus strand): 5'-TTAAAAATGAAACTTTTAGGTTACAACCCTTGTAAACACCAATAGTAAAGGGCCCTCTAA[TAAGAAG>T]AGAGGTCGTTCTAAGAAGGCCCATGTTTTGGCTGCATCTGTTGAACAAGCAACTGAGAAT-3'